The following is an entry in ClinVar:

ClinVar aggregate classification (germline): Uncertain significance. Review status: criteria provided, multiple submitters, no conflicts (2 of 4 stars). 2 submissions from 2 submitters: Uncertain significance (2). Last evaluated 2024-01-17.

Allele frequency attached by ClinVar (database versions not stated): TOPMed 0.00001.

Submissions (2):

Blueprint Genetics
Classification: Uncertain significance. Last evaluated: 2024-01-17. Review status: criteria provided, single submitter. Criteria: ACMG Guidelines, 2015. Collection method: clinical testing. Allele origin: germline.

Labcorp Genetics (formerly Invitae), Labcorp
Classification: Uncertain significance. Last evaluated: 2023-12-22. Review status: criteria provided, single submitter. Criteria: Invitae Variant Classification Sherloc (09022015). Collection method: clinical testing. Allele origin: germline.
Comment: This sequence change replaces glycine, which is neutral and non-polar, with cysteine, which is neutral and slightly polar, at codon 1002 of the CARMIL2 protein (p.Gly1002Cys). The frequency data for this variant in the population databases is considered unreliable, as metrics indicate insufficient coverage at this position in the gnomAD database. This variant has not been reported in the literature in individuals affected with CARMIL2-related conditions. ClinVar contains an entry for this variant (Variation ID: 1918352). Advanced modeling of protein sequence and biophysical properties (such as structural, functional, and spatial information, amino acid conservation, physicochemical variation, residue mobility, and thermodynamic stability) performed at Invitae indicates that this missense variant is not expected to disrupt CARMIL2 protein function with a negative predictive value of 80%. In summary, the available evidence is currently insufficient to determine the role of this variant in disease. Therefore, it has been classified as a Variant of Uncertain Significance.

NM_001013838.3(CARMIL2):c.3004G>T (p.Gly1002Cys)

Gene: CARMIL2 (capping protein regulator and myosin 1 linker 2; plus strand). Cytogenetic location: 16q22.1.
Variant type: single nucleotide variant.
Coding change: c.3004G>T on transcript NM_001013838.3 (MANE Select); coding-DNA position 3004, G replaced by T.
Protein change: p.Gly1002Cys; replaces glycine 1002 with cysteine.
Molecular consequence: missense variant.
Genome position (GRCh38, 1-based): chr16:67,653,138, G>T. VCF-style: chr16-67653138-G-T. GRCh37 (hg19) VCF-style: chr16-67687041-G-T.
Other names: c.2896G>T, p.Gly966Cys (NM_001317026.3); short protein forms G1002C, G966C.
Identifiers: ClinVar variation 1918352 (VCV001918352.5), dbSNP rs1339459881, ClinGen allele CA396343022.